The following is an entry in ClinVar:

NM_001184.4(ATR):c.4818C>T (p.His1606=)

Gene: ATR (ATR checkpoint kinase; minus strand). Cytogenetic location: 3q23.
Variant type: single nucleotide variant.
Coding change: c.4818C>T on transcript NM_001184.4 (MANE Select); coding-DNA position 4818, C replaced by T.
Protein change: p.His1606=; no amino-acid change (histidine 1606 retained).
Molecular consequence: synonymous variant.
Genome position (GRCh38, 1-based): chr3:142,512,294, G>A on the plus strand (C>T on the coding strand, the complement: ATR is on the minus strand). VCF-style: chr3-142512294-G-A. GRCh37 (hg19) VCF-style: chr3-142231136-G-A.
Other names: c.4626C>T, p.His1542= (NM_001354579.2).
Identifiers: ClinVar variation 1743329 (VCV001743329.9), dbSNP rs752931025, ClinGen allele CA2649763.

ClinVar aggregate classification (germline): Likely benign. Review status: criteria provided, multiple submitters, no conflicts (2 of 4 stars). 2 submissions from 2 submitters: Likely benign (2). Last evaluated 2025-09-01.

Conditions:
Inborn genetic diseases. Identifiers: MedGen C0950123, MeSH D030342.

Allele frequency attached by ClinVar (database versions not stated): gnomAD exomes 0.00001; ExAC 0.00002; gnomAD 0.00002; TOPMed 0.00002.
gnomAD v4.1: 12 of 1,611,112 alleles (0.00074%); highest among the groups gnomAD compares: African/African-American, 0.004%; no homozygotes.

Submissions (2):

CeGaT Center for Human Genetics Tuebingen
Classification: Likely benign. Last evaluated: 2025-09-01. Review status: criteria provided, single submitter. Criteria: CeGaT Center For Human Genetics Tuebingen Variant Classification Criteria Version 2. Collection method: clinical testing. Allele origin: germline. Affected: yes. Observed: 1 variant allele.
Comment: ATR: BP4, BP7

Ambry Genetics
Classification: Likely benign for Inborn genetic diseases. Last evaluated: 2022-04-12. Review status: criteria provided, single submitter. Criteria: Ambry Variant Classification Scheme 2023. Collection method: clinical testing. Allele origin: germline.